The following is an entry in ClinVar:

NM_000352.6(ABCC8):c.3578A>T (p.Asp1193Val)

Gene: ABCC8 (ATP binding cassette subfamily C member 8; minus strand). Cytogenetic location: 11p15.1.
Variant type: single nucleotide variant.
Coding change: c.3578A>T on transcript NM_000352.6 (MANE Select); coding-DNA position 3578, A replaced by T.
Protein change: p.Asp1193Val; replaces aspartic acid 1193 with valine.
Molecular consequence: missense variant. On other transcripts: non-coding transcript variant (1).
Genome position (GRCh38, 1-based): chr11:17,402,733, T>A on the plus strand (A>T on the coding strand, the complement: ABCC8 is on the minus strand). VCF-style: chr11-17402733-T-A. GRCh37 (hg19) VCF-style: chr11-17424280-T-A.
Other names: c.3581A>T, p.Asp1194Val (NM_001287174.3); c.3644A>T, p.Asp1215Val (NM_001351295.2); c.3578A>T, p.Asp1193Val (NM_001351296.2); c.3575A>T, p.Asp1192Val (NM_001351297.2); short protein forms D1193V, D1215V, D1194V, D1192V.
Identifiers: ClinVar variation 802658 (VCV000802658.18), dbSNP rs139486832, ClinGen allele CA5902762.

ClinVar aggregate classification (germline): Conflicting classifications of pathogenicity. Review status: criteria provided, conflicting classifications (1 of 4 stars). 7 submissions from 7 submitters: Uncertain significance (6); Likely benign (1). Last evaluated 2025-10-09.

Conditions:
Hyperinsulinemic hypoglycemia, familial, 1 (HHF1). Also called: Persistent hyperinsulinemic hypoglycemia of infancy; Persistent Hyperinsulinemia Hypoglycemia of Infancy; HYPERINSULINISM, FAMILIAL, WITH PANCREATIC NESIDIOBLASTOSIS; HYPOGLYCEMIA, HYPERINSULINEMIC, OF INFANCY; NESIDIOBLASTOSIS OF PANCREAS. Identifiers: Orphanet 276575, Orphanet 276598, MedGen C2931832, MONDO:0009734, OMIM 256450.
Leucine-induced hypoglycemia (LIH). Also called: LEUCINE-SENSITIVE HYPOGLYCEMIA OF INFANCY. Identifiers: MedGen C0271714, MONDO:0009415, OMIM 240800.
Diabetes mellitus, permanent neonatal 3. Also called: ABCC8-Related Permanent Neonatal Diabetes Mellitus. Identifiers: MedGen C5394303, MONDO:0030088, OMIM 618857.
Diabetes mellitus, transient neonatal, 2 (TNDM2). Identifiers: Orphanet 99886, MedGen C1835887, MONDO:0012480, OMIM 610374. Disease mechanism: loss of function.
Type 2 diabetes mellitus. Also called: Type II diabetes mellitus. Identifiers: MedGen C0011860, MeSH D003924, MONDO:0005148, OMIM 125853, HP:0005978.

Allele frequency attached by ClinVar (database versions not stated): ExAC 0.00002; gnomAD exomes 0.00002 and 0.00005; 1000 Genomes Project 30x 0.00016; gnomAD 0.00019 and 0.00022; 1000 Genomes Project 0.00020; ESP Exome Variant Server 0.00023; TOPMed 0.00023.
gnomAD v4.1: 58 of 1,614,180 alleles (0.0036%); highest among the groups gnomAD compares: African/African-American, 0.071%; no homozygotes.

Submissions (7):

Women's Health and Genetics/Laboratory Corporation of America, LabCorp
Classification: Uncertain significance. Last evaluated: 2025-10-09. Review status: criteria provided, single submitter. Criteria: LabCorp Variant Classification Summary - May 2015. Collection method: clinical testing. Allele origin: germline.
Comment: Variant summary: ABCC8 c.3578A>T (p.Asp1193Val) results in a non-conservative amino acid change located in the ABC transporter type 1, transmembrane domain (IPR011527) of the encoded protein sequence. Algorithms developed to predict the effect of missense changes on protein structure and function are either unavailable or do not agree on the potential impact of this missense change. The variant allele was found at a frequency of 4.8e-05 in 251460 control chromosomes, predominantly at a frequency of 0.00074 within the African or African-American subpopulation in the gnomAD database. This frequency is not significantly higher than estimated for disease-causing variants in ABCC8, allowing no conclusion about variant significance. c.3578A>T has been reported in the literature in multiple individuals affected with Congenital Hyperinsulinism and Diabetes, including at least one homozygote (De Franco_2020, Hussain_2005, Muzyamba_2007, Arya_2014, DeFranco_2020). In addition, the homozygous patient had another pathogenic variant (p.R1436Q) in cis on each allele (Muzyamba_2007). These data do not allow any conclusion about variant significance. At least one publication reports experimental evidence evaluating an impact on protein function: patch clamp assays showed cells with the variant protein were electrophysiological indiscernible from cells with wild type protein (Muzyamba_2007). The following publications have been ascertained in the context of this evaluation (PMID: 25201519, 33046911, 32027066, 16186397, 17466004). ClinVar contains an entry for this variant (Variation ID: 802658). Based on the evidence outlined above, the variant was classified as uncertain significance.

Labcorp Genetics (formerly Invitae), Labcorp
Classification: Likely benign. Last evaluated: 2024-08-20. Review status: criteria provided, single submitter. Criteria: Invitae Variant Classification Sherloc (09022015). Collection method: clinical testing. Allele origin: germline.

Fulgent Genetics
Classification: Uncertain significance for Type 2 diabetes mellitus; Leucine-induced hypoglycemia; Hyperinsulinemic hypoglycemia, familial, 1; Diabetes mellitus, transient neonatal, 2; Diabetes mellitus, permanent neonatal 3. Last evaluated: 2024-01-09. Review status: criteria provided, single submitter. Criteria: ACMG Guidelines, 2015. Collection method: clinical testing. Allele origin: germline.

Myriad Genetics, Inc.
Classification: Uncertain significance for Hyperinsulinemic hypoglycemia, familial, 1. Last evaluated: 2021-10-27. Review status: criteria provided, single submitter. Criteria: Myriad Women's Health Autosomal Recessive and X-Linked Classification Criteria (2021). Collection method: clinical testing. Allele origin: unknown.
Comment: NM_000352.3(ABCC8):c.3578A>T(D1193V) is a missense variant classified as a variant of uncertain significance in the context of familial hyperinsulinism, ABCC8-related. D1193V has been observed in cases with relevant disease (PMID: 25201519, 17466004). Functional assessments of this variant are available in the literature (PMID: 16186397). D1193V has been observed in population frequency databases (gnomAD: AFR 0.06%). In summary, there is insufficient evidence to classify NM_000352.3(ABCC8):c.3578A>T(D1193V) as pathogenic or benign. Please note: this variant was assessed in the context of healthy population screening.

NxGen MDx
Classification: Uncertain significance for Hyperinsulinemic hypoglycemia, familial, 1. Last evaluated: 2020-01-09. Review status: criteria provided, single submitter. Criteria: ACMG Guidelines, 2015. Collection method: clinical testing. Allele origin: unknown.
Comment: This missense variant (c.3578A>T) in the ABCC8 transmembrane domain results in a large physicochemical change to the residue, transitioning from a non-polar to a negatively charged, acidic side chain (p.Asp1193Val). Computational algorithms indicate numerous pathogenic verdicts for this variant (PP3) with minimal conflicting predictions. GnomAD exomes and genomes databases indicate a low allele frequency (PM2). Earlier functional studies by Muzyamba et al. PMID 17466004 demonstrate this variant is functional and localizes to the membrane normally, adding that it becomes non-functional when in cis with Arg1436Gln. We interpret c.3578A>T as a variant of uncertain significance.

Mendelics
Classification: Uncertain significance for Hyperinsulinemic hypoglycemia, familial, 1. Last evaluated: 2019-05-28. Review status: criteria provided, single submitter. Criteria: Mendelics Assertion Criteria 2017. Collection method: clinical testing. Allele origin: unknown.

Genetic Services Laboratory, University of Chicago
Classification: Uncertain significance. Last evaluated: 2018-04-27. Review status: criteria provided, single submitter. Criteria: ACMG Guidelines, 2015. Collection method: clinical testing. Allele origin: germline. Affected: no.

Literature cited by the submitters: PubMed 16186397 (cited by 3 submitters); PubMed 17466004 (cited by 3 submitters); PubMed 25201519 (cited by Women's Health and Genetics/Laboratory Corporation of America, LabCorp and Myriad Genetics, Inc.); PubMed 32027066 (cited by Women's Health and Genetics/Laboratory Corporation of America, LabCorp); PubMed 33046911 (cited by Women's Health and Genetics/Laboratory Corporation of America, LabCorp).